The following is an entry in ClinVar:

ClinVar aggregate classification (germline): Likely pathogenic (1 of 4 stars; one submission).

Conditions:
Congenital afibrinogenemia. Identifiers: Orphanet 335, Orphanet 98880, MedGen C2584774, MONDO:0008737, OMIM 202400.
Familial dysfibrinogenemia. Also called: Dysfibrinogenemia, congenital. Identifiers: Orphanet 335, Orphanet 98881, MedGen C0272350, MONDO:0014452, OMIM 616004.

Submission:

Juno Genomics, Hangzhou Juno Genomics, Inc
Classification: Likely pathogenic for Congenital afibrinogenemia; Familial dysfibrinogenemia. Review status: criteria provided, single submitter. Criteria: ACMG Guidelines, 2015. Collection method: clinical testing. Allele origin: germline.
Comment: Absent from controls (or at extremely low frequency if recessive) in Genome Aggregation Database.;Null variant in a gene where loss of function (LOF) is a known mechanism of disease.

NM_021870.3(FGG):c.352G>T (p.Glu118Ter)

Gene: FGG (fibrinogen gamma chain; minus strand). Cytogenetic location: 4q32.1.
Variant type: single nucleotide variant.
Coding change: c.352G>T on transcript NM_021870.3 (MANE Select); coding-DNA position 352, G replaced by T.
Protein change: p.Glu118Ter; replaces glutamic acid 118 with a stop codon.
Molecular consequence: nonsense.
Genome position (GRCh38, 1-based): chr4:154,611,854, C>A on the plus strand (G>T on the coding strand, the complement: FGG is on the minus strand). VCF-style: chr4-154611854-C-A. GRCh37 (hg19) VCF-style: chr4-155533006-C-A.
Other names: c.352G>T, p.Glu118Ter (NM_000509.6); short protein forms E118*.
Identifiers: ClinVar variation 5019836 (VCV005019836.2).
Genomic context (GRCh38, chr4:154,611,854, plus strand): 5'-AAAATCCTTACCGAATACTTGAGTCATGTGTTAAAATCGATGCTTCATATTTCATAATTT[C>A]TTCTAACATTTTCCTGGACTTCAAAGTAGCAGCGTCTATCATATCTGTAATATAGGATCA-3'